The following is an entry in ClinVar:

ClinVar aggregate classification (germline): Uncertain significance (1 of 4 stars; one submission).

Allele frequency attached by ClinVar (database versions not stated): gnomAD exomes below 0.00001; ExAC 0.00001; gnomAD 0.00001; TOPMed 0.00001.

Submission:

Labcorp Genetics (formerly Invitae), Labcorp
Classification: Uncertain significance. Last evaluated: 2024-02-19. Review status: criteria provided, single submitter. Criteria: Invitae Variant Classification Sherloc (09022015). Collection method: clinical testing. Allele origin: germline.
Comment: This sequence change falls in intron 16 of the ARHGEF10 gene. It does not directly change the encoded amino acid sequence of the ARHGEF10 protein. It affects a nucleotide within the consensus splice site. This variant is present in population databases (rs773764954, gnomAD 0.0009%). This variant has not been reported in the literature in individuals affected with ARHGEF10-related conditions. Variants that disrupt the consensus splice site are a relatively common cause of aberrant splicing (PMID: 17576681, 9536098). Algorithms developed to predict the effect of sequence changes on RNA splicing suggest that this variant is not likely to affect RNA splicing. In summary, the available evidence is currently insufficient to determine the role of this variant in disease. Therefore, it has been classified as a Variant of Uncertain Significance.

Literature cited by the submitters: PubMed 17576681; PubMed 9536098.

NM_014629.4(ARHGEF10):c.1822-3C>T

Gene: ARHGEF10 (Rho guanine nucleotide exchange factor 10; plus strand). Cytogenetic location: 8p23.3.
Variant type: single nucleotide variant.
Coding change: c.1822-3C>T on transcript NM_014629.4 (MANE Select); 3 bases into the intron before coding-DNA position 1822, C replaced by T.
Molecular consequence: intron variant.
Genome position (GRCh38, 1-based): chr8:1,905,568, C>T. VCF-style: chr8-1905568-C-T. GRCh37 (hg19) VCF-style: chr8-1853734-C-T.
Other names: c.1705-3C>T (NM_001438092.1, NM_001438093.1); c.1825-3C>T (NM_001438091.1); c.1708-3C>T (NM_001308152.2, NM_001438094.1); c.1822-3C>T (NM_001308153.3).
Identifiers: ClinVar variation 2891018 (VCV002891018.3), dbSNP rs773764954, ClinGen allele CA4600602.